The following is an entry in ClinVar:

ClinVar aggregate classification (germline): Uncertain significance. Review status: criteria provided, single submitter (1 of 4 stars). 2 submissions from 2 submitters: Uncertain significance (1). 1 of the submissions does not count toward it. Last evaluated 2025-07-16.

Conditions:
Ataxia-telangiectasia syndrome (AT). Also called: Ataxia-telangiectasia, complementation group D; ATAXIA-TELANGIECTASIA, COMPLEMENTATION GROUP A; ATAXIA-TELANGIECTASIA, FRESNO VARIANT; Ataxia-telangiectasia, complementation group E; Cerebello-oculocutaneous telangiectasia; Immunodeficiency with ataxia telangiectasia. Identifiers: Orphanet 100, MedGen C0004135, MONDO:0008840, OMIM 208900.

Submissions (2):

Labcorp Genetics (formerly Invitae), Labcorp
Classification: Uncertain significance for Ataxia-telangiectasia syndrome. Last evaluated: 2025-07-16. Review status: criteria provided, single submitter. Criteria: Invitae Variant Classification Sherloc (09022015). Collection method: clinical testing. Allele origin: germline.
Comment: This sequence change replaces lysine, which is basic and polar, with threonine, which is neutral and polar, at codon 640 of the ATM protein (p.Lys640Thr). This variant is not present in population databases (gnomAD no frequency). This variant has not been reported in the literature in individuals affected with ATM-related conditions. ClinVar contains an entry for this variant (Variation ID: 1350962). Invitae Evidence Modeling of protein sequence and biophysical properties (such as structural, functional, and spatial information, amino acid conservation, physicochemical variation, residue mobility, and thermodynamic stability) indicates that this missense variant is not expected to disrupt ATM protein function with a negative predictive value of 95%. In summary, the available evidence is currently insufficient to determine the role of this variant in disease. Therefore, it has been classified as a Variant of Uncertain Significance.

Natera, Inc.
Classification: Uncertain significance for Ataxia-telangiectasia. Last evaluated: 2025-03-17. Review status: no assertion criteria provided. Collection method: clinical testing. Allele origin: germline. Not counted in ClinVar's aggregate classification.

NM_000051.4(ATM):c.1919A>C (p.Lys640Thr)

Gene: ATM (ATM serine/threonine kinase; plus strand). Cytogenetic location: 11q22.3.
Variant type: single nucleotide variant.
Coding change: c.1919A>C on transcript NM_000051.4 (MANE Select); coding-DNA position 1919, A replaced by C.
Protein change: p.Lys640Thr; replaces lysine 640 with threonine.
Molecular consequence: missense variant.
Genome position (GRCh38, 1-based): chr11:108,253,834, A>C. VCF-style: chr11-108253834-A-C. GRCh37 (hg19) VCF-style: chr11-108124561-A-C.
Other names: c.1919A>C, p.Lys640Thr (NM_001351834.2); c.1919A>C (NM_000051.3); short protein forms K640T.
Identifiers: ClinVar variation 1350962 (VCV001350962.9), dbSNP rs2135366191, ClinGen allele CA382536441.